The following is an entry in ClinVar:

NM_004586.3(RPS6KA3):c.2203dup (p.Ile735fs)

Gene: RPS6KA3 (ribosomal protein S6 kinase A3; minus strand). Cytogenetic location: Xp22.12.
Variant type: Duplication.
Coding change: c.2203dup on transcript NM_004586.3 (MANE Select); coding-DNA position 2203, one base duplicated (A; older notation c.2203dupA).
Protein change: p.Ile735fs; shifts the reading frame from isoleucine 735.
Molecular consequence: frameshift variant.
Genome position (GRCh38, 1-based): chrX:20,155,418, T duplicated on the plus strand (A on the coding strand, the reverse complement: RPS6KA3 is on the minus strand); the first of 7 consecutive T bases (chrX:20,155,418-20,155,424); duplicating any one gives the same sequence. VCF-style (leftmost placement, unchanged base first): chrX-20155417-A-AT. GRCh37 (hg19) VCF-style: chrX-20173535-A-AT.
Other names: short protein forms I735fs.
Identifiers: ClinVar variation 2232045 (VCV002232045.2), dbSNP rs2519567604, ClinGen allele CA2580100446.
Genomic context (GRCh38, chrX:20,155,417, plus strand): 5'-TCAGCTTACACCATGGTACCAAATATCTCACTGAGGTCACTTCACAGGGCTGTTGAGGTG[A>AT]TTTTTTTAATACCTCTCCGCTGAGCAAGAGTAGAGCGGCCTACTGGTTCCAAAACTGGTG-3'

ClinVar aggregate classification (germline): Uncertain significance (1 of 4 stars; one submission).

Conditions:
Inborn genetic diseases. Identifiers: MedGen C0950123, MeSH D030342.

Submission:

Ambry Genetics
Classification: Uncertain significance for Inborn genetic diseases. Last evaluated: 2021-06-29. Review status: criteria provided, single submitter. Criteria: Ambry Variant Classification Scheme 2023. Collection method: clinical testing. Allele origin: germline.
Comment: Not expected to trigger nonsense-mediated mRNA decay Based on insufficient or conflicting evidence, the clinical significance of this alteration remains unclear.